The following is an entry in ClinVar:

NM_033131.4(WNT3A):c.380C>T (p.Ser127Leu)

Gene: WNT3A (Wnt family member 3A; plus strand). Cytogenetic location: 1q42.13.
Variant type: single nucleotide variant.
Coding change: c.380C>T on transcript NM_033131.4 (MANE Select); coding-DNA position 380, C replaced by T.
Protein change: p.Ser127Leu; replaces serine 127 with leucine.
Molecular consequence: missense variant.
Genome position (GRCh38, 1-based): chr1:228,050,722, C>T. VCF-style: chr1-228050722-C-T. GRCh37 (hg19) VCF-style: chr1-228238423-C-T.
Other names: short protein forms S127L.
Identifiers: ClinVar variation 3614535 (VCV003614535.2).
Genomic context (GRCh38, chr1:228,050,722, plus strand): 5'-GGGAGTCGGCCTTTGTCCACGCCATTGCCTCAGCCGGTGTGGCCTTTGCAGTGACACGCT[C>T]ATGTGCAGAAGGCACGGCCGCCATCTGTGGCTGCAGCAGCCGCCACCAGGGCTCACCAGG-3'
Protein context (NP_149122.1, residues 117-137): SAGVAFAVTR[Ser127Leu]CAEGTAAICG

ClinVar aggregate classification (germline): Uncertain significance (1 of 4 stars; one submission).

gnomAD v4.1: 12 of 1,614,018 alleles (0.00074%); highest among the groups gnomAD compares: South Asian, 0.0033%; no homozygotes.

Submission:

Labcorp Genetics (formerly Invitae), Labcorp
Classification: Uncertain significance. Last evaluated: 2024-09-26. Review status: criteria provided, single submitter. Criteria: Invitae Variant Classification Sherloc (09022015). Collection method: clinical testing. Allele origin: germline.
Comment: This sequence change replaces serine, which is neutral and polar, with leucine, which is neutral and non-polar, at codon 127 of the WNT3A protein (p.Ser127Leu). This variant is present in population databases (rs766639977, gnomAD 0.006%). This variant has not been reported in the literature in individuals affected with WNT3A-related conditions. Invitae Evidence Modeling of protein sequence and biophysical properties (such as structural, functional, and spatial information, amino acid conservation, physicochemical variation, residue mobility, and thermodynamic stability) has been performed for this missense variant. However, the output from this modeling did not meet the statistical confidence thresholds required to predict the impact of this variant on WNT3A protein function. In summary, the available evidence is currently insufficient to determine the role of this variant in disease. Therefore, it has been classified as a Variant of Uncertain Significance.